The following is an entry in ClinVar:

NM_019066.5(MAGEL2):c.1428A>C (p.Pro476=)

Gene: MAGEL2 (MAGE family member L2; minus strand). Cytogenetic location: 15q11.2.
Variant type: single nucleotide variant.
Coding change: c.1428A>C on transcript NM_019066.5 (MANE Select); coding-DNA position 1428, A replaced by C.
Protein change: p.Pro476=; no amino-acid change (proline 476 retained).
Molecular consequence: synonymous variant.
Genome position (GRCh38, 1-based): chr15:23,646,315, T>G on the plus strand (A>C on the coding strand, the complement: MAGEL2 is on the minus strand). VCF-style: chr15-23646315-T-G. GRCh37 (hg19) VCF-style: chr15-23891462-T-G.
Identifiers: ClinVar variation 2644989 (VCV002644989.24), dbSNP rs1890401815, ClinGen allele CA2164300281.

ClinVar aggregate classification (germline): Likely benign (1 of 4 stars; one submission).

gnomAD v4.1: 1 of 1,363,860 alleles (0.000073%); highest among the groups gnomAD compares: Non-Finnish European, 0.000093%; no homozygotes.

Submission:

CeGaT Center for Human Genetics Tuebingen
Classification: Likely benign. Last evaluated: 2023-06-01. Review status: criteria provided, single submitter. Criteria: CeGaT Center For Human Genetics Tuebingen Variant Classification Criteria Version 2. Collection method: clinical testing. Allele origin: germline. Affected: yes. Observed: 1 variant allele.
Comment: MAGEL2: PM2:Supporting, BP4, BP7